The following is an entry in ClinVar:

ClinVar aggregate classification (germline): Uncertain significance (1 of 4 stars; one submission).

Conditions:
Juvenile polyposis syndrome (JPS). Identifiers: Orphanet 2929, MedGen C0345893, MONDO:0017380, OMIM 174900.

Submission:

Labcorp Genetics (formerly Invitae), Labcorp
Classification: Uncertain significance for Juvenile polyposis syndrome. Last evaluated: 2026-01-26. Review status: criteria provided, single submitter. Criteria: Invitae Variant Classification Sherloc (09022015). Collection method: clinical testing. Allele origin: germline.
Comment: This sequence change replaces valine, which is neutral and non-polar, with glycine, which is neutral and non-polar, at codon 399 of the SMAD4 protein (p.Val399Gly). This variant is not present in population databases (gnomAD no frequency). This variant has not been reported in the literature in individuals affected with SMAD4-related conditions. Invitae Evidence Modeling of protein sequence and biophysical properties (such as structural, functional, and spatial information, amino acid conservation, physicochemical variation, residue mobility, and thermodynamic stability) has been performed for this missense variant. However, the output from this modeling did not meet the statistical confidence thresholds required to predict the impact of this variant on SMAD4 protein function. In summary, the available evidence is currently insufficient to determine the role of this variant in disease. Therefore, it has been classified as a Variant of Uncertain Significance.

NM_005359.6(SMAD4):c.1196T>G (p.Val399Gly)

Gene: SMAD4 (SMAD family member 4; plus strand). Cytogenetic location: 18q21.2.
Variant type: single nucleotide variant.
Coding change: c.1196T>G on transcript NM_005359.6 (MANE Select); coding-DNA position 1196, T replaced by G.
Protein change: p.Val399Gly; replaces valine 399 with glycine.
Molecular consequence: missense variant. On other transcripts: non-coding transcript variant (1).
Genome position (GRCh38, 1-based): chr18:51,067,075, T>G. VCF-style: chr18-51067075-T-G. GRCh37 (hg19) VCF-style: chr18-48593445-T-G.
Other names: c.1196T>G, p.Val399Gly (NM_001407041.1, NM_001407042.1); short protein forms V399G.
Identifiers: ClinVar variation 4803029 (VCV004803029.1).
Genomic context (GRCh38, chr18:51,067,075, plus strand): 5'-TAAGGTTGCACATAGGCAAAGGTGTGCAGTTGGAATGTAAAGGTGAAGGTGATGTTTGGG[T>G]CAGGTGCCTTAGTGACCACGCGGTCTTTGTACAGAGTTACTACTTAGACAGAGAAGCTGG-3'
Protein context (NP_005350.1, residues 389-409): LECKGEGDVW[Val399Gly]RCLSDHAVFV